The following is an entry in ClinVar:

ClinVar aggregate classification (germline): Uncertain significance. Review status: criteria provided, multiple submitters, no conflicts (2 of 4 stars). 2 submissions from 2 submitters: Uncertain significance (2). Last evaluated 2025-12-27.

Conditions:
Hypodontia. Also called: Partial congenital absence of teeth; TOOTH AGENESIS, FAMILIAL; Tooth agenesis, selective. Identifiers: Orphanet 99798, MedGen C0020608, MONDO:0005486, HP:0000668. Disease mechanism: loss of function.
Inborn genetic diseases. Identifiers: MedGen C0950123, MeSH D030342.

gnomAD v4.1: 1 of 1,612,944 alleles (0.000062%); highest among the groups gnomAD compares: Non-Finnish European, 0.000085%; no homozygotes.

Submissions (2):

Labcorp Genetics (formerly Invitae), Labcorp
Classification: Uncertain significance for Hypodontia. Last evaluated: 2025-12-27. Review status: criteria provided, single submitter. Criteria: Invitae Variant Classification Sherloc (09022015). Collection method: clinical testing. Allele origin: germline.
Comment: This sequence change replaces serine, which is neutral and polar, with leucine, which is neutral and non-polar, at codon 185 of the PAX9 protein (p.Ser185Leu). This variant is not present in population databases (gnomAD no frequency). This variant has not been reported in the literature in individuals affected with PAX9-related conditions. ClinVar contains an entry for this variant (Variation ID: 4131467). An algorithm developed to predict the effect of missense changes on protein structure and function (PolyPhen-2) suggests that this variant is likely to be tolerated. In summary, the available evidence is currently insufficient to determine the role of this variant in disease. Therefore, it has been classified as a Variant of Uncertain Significance.

Ambry Genetics
Classification: Uncertain significance for Inborn genetic diseases. Last evaluated: 2025-06-19. Review status: criteria provided, single submitter. Criteria: Ambry Variant Classification Scheme 2023. Collection method: clinical testing. Allele origin: germline.

NM_001372076.1(PAX9):c.554C>T (p.Ser185Leu)

Gene: PAX9 (paired box 9; plus strand). Cytogenetic location: 14q13.3.
Variant type: single nucleotide variant.
Coding change: c.554C>T on transcript NM_001372076.1 (MANE Select); coding-DNA position 554, C replaced by T.
Protein change: p.Ser185Leu; replaces serine 185 with leucine.
Molecular consequence: missense variant.
Genome position (GRCh38, 1-based): chr14:36,663,446, C>T. VCF-style: chr14-36663446-C-T. GRCh37 (hg19) VCF-style: chr14-37132651-C-T.
Other names: c.554C>T, p.Ser185Leu (NM_006194.4); short protein forms S185L.
Identifiers: ClinVar variation 4131467 (VCV004131467.2).
Genomic context (GRCh38, chr14:36,663,446, plus strand): 5'-CTATCACGGCGGCGGCCGCCAAGGTGCCCACGCCACCCGGGGTGCCTGCCATCCCCGGTT[C>T]GGTGGCCATGCCGCGCACCTGGCCCTCCTCGCACTCCGTCACCGACATCCTGGGCATCCG-3'
Protein context (NP_001359005.1, residues 175-195): TPPGVPAIPG[Ser185Leu]VAMPRTWPSS